The following is an entry in ClinVar:

NM_033004.4(NLRP1):c.868A>G (p.Arg290Gly)

Gene: NLRP1 (NLR family pyrin domain containing 1; minus strand). Cytogenetic location: 17p13.2.
Variant type: single nucleotide variant.
Coding change: c.868A>G on transcript NM_033004.4 (MANE Select); coding-DNA position 868, A replaced by G.
Protein change: p.Arg290Gly; replaces arginine 290 with glycine.
Molecular consequence: missense variant.
Genome position (GRCh38, 1-based): chr17:5,559,828, T>C on the plus strand (A>G on the coding strand, the complement: NLRP1 is on the minus strand). VCF-style: chr17-5559828-T-C. GRCh37 (hg19) VCF-style: chr17-5463148-T-C.
Other names: c.868A>G, p.Arg290Gly (NM_001033053.3, NM_014922.5, NM_033006.4 and 1 more transcripts); short protein forms R290G.
Identifiers: ClinVar variation 1061929 (VCV001061929.9), dbSNP rs201548869, ClinGen allele CA8327473.

ClinVar aggregate classification (germline): Uncertain significance (1 of 4 stars; one submission).

Allele frequency attached by ClinVar (database versions not stated): gnomAD exomes 0.00002 and 0.00009; TOPMed 0.00002; gnomAD 0.00004 and 0.00005; ExAC 0.00009; 1000 Genomes Project 30x 0.00016; 1000 Genomes Project 0.00020.

Submission:

Labcorp Genetics (formerly Invitae), Labcorp
Classification: Uncertain significance. Last evaluated: 2026-01-12. Review status: criteria provided, single submitter. Criteria: Invitae Variant Classification Sherloc (09022015). Collection method: clinical testing. Allele origin: germline.
Comment: This sequence change replaces arginine, which is basic and polar, with glycine, which is neutral and non-polar, at codon 290 of the NLRP1 protein (p.Arg290Gly). This variant is present in population databases (rs201548869, gnomAD 0.1%). This variant has not been reported in the literature in individuals affected with NLRP1-related conditions. ClinVar contains an entry for this variant (Variation ID: 1061929). An algorithm developed to predict the effect of missense changes on protein structure and function outputs the following: PolyPhen-2: "Benign". The glycine amino acid residue is found in multiple mammalian species, which suggests that this missense change does not adversely affect protein function. In summary, the available evidence is currently insufficient to determine the role of this variant in disease. Therefore, it has been classified as a Variant of Uncertain Significance.